The following is an entry in ClinVar:

ClinVar aggregate classification (germline): Uncertain significance (1 of 4 stars; one submission).

Conditions:
Sclerosteosis 2 (SOST2). Identifiers: Orphanet 3152, MedGen C3280402, MONDO:0013679, OMIM 614305.
Cenani-Lenz syndactyly syndrome. Also called: SYNDACTYLY, TYPE VII; CENANI SYNDACTYLISM. Identifiers: Orphanet 3258, MedGen C1859309, MONDO:0008931, OMIM 212780.
Congenital myasthenic syndrome 17. Identifiers: Orphanet 590, MedGen C4225377, MONDO:0014578, OMIM 616304.

Allele frequency attached by ClinVar (database versions not stated): TOPMed 0.00001.
gnomAD v4.1: 5 of 1,614,204 alleles (0.00031%); highest among the groups gnomAD compares: Non-Finnish European, 0.00042%; no homozygotes.

Submission:

Labcorp Genetics (formerly Invitae), Labcorp
Classification: Uncertain significance for Cenani-Lenz syndactyly syndrome; Sclerosteosis 2; Congenital myasthenic syndrome 17. Last evaluated: 2022-04-16. Review status: criteria provided, single submitter. Criteria: Invitae Variant Classification Sherloc (09022015). Collection method: clinical testing. Allele origin: germline.
Comment: Algorithms developed to predict the effect of missense changes on protein structure and function are either unavailable or do not agree on the potential impact of this missense change (SIFT: "Deleterious"; PolyPhen-2: "Probably Damaging"; Align-GVGD: "Class C0"). This variant has not been reported in the literature in individuals affected with LRP4-related conditions. This variant is present in population databases (no rsID available, gnomAD 0.0009%). This sequence change replaces arginine, which is basic and polar, with cysteine, which is neutral and slightly polar, at codon 281 of the LRP4 protein (p.Arg281Cys). In summary, the available evidence is currently insufficient to determine the role of this variant in disease. Therefore, it has been classified as a Variant of Uncertain Significance.

NM_002334.4(LRP4):c.841C>T (p.Arg281Cys)

Gene: LRP4 (LDL receptor related protein 4; minus strand). Cytogenetic location: 11p11.2.
Variant type: single nucleotide variant.
Coding change: c.841C>T on transcript NM_002334.4 (MANE Select); coding-DNA position 841, C replaced by T.
Protein change: p.Arg281Cys; replaces arginine 281 with cysteine.
Molecular consequence: missense variant.
Genome position (GRCh38, 1-based): chr11:46,896,950, G>A on the plus strand (C>T on the coding strand, the complement: LRP4 is on the minus strand). VCF-style: chr11-46896950-G-A. GRCh37 (hg19) VCF-style: chr11-46918501-G-A.
Other names: short protein forms R281C.
Identifiers: ClinVar variation 2052688 (VCV002052688.3), dbSNP rs1158489710, ClinGen allele CA380287981.
Genomic context (GRCh38, chr11:46,896,950, plus strand): 5'-CATCGCTGTTGTCTGCACAGTCGTCCTCCCCATCACAGCGCCAGGACAGGCGGACACAGC[G>A]GCCTGAGTGACAGCGGAACTGTTCTGCCGTACACATGGAGGTGGCTGGGCAAAGCAAAGG-3'
Protein context (NP_002325.2, residues 271-291): TAEQFRCHSG[Arg281Cys]CVRLSWRCDG